The following is an entry in ClinVar:

ClinVar aggregate classification (germline): Uncertain significance (0 of 4 stars; one submission).

Conditions:
SEMA3A-related disorder. Also called: SEMA3A-related condition.

gnomAD v4.1: 20 of 1,532,426 alleles (0.0013%); highest among the groups gnomAD compares: East Asian, 0.046%; no homozygotes.

Submission:

PreventionGenetics, part of Exact Sciences
Classification: Uncertain significance for SEMA3A-related condition. Last evaluated: 2024-09-20. Review status: no assertion criteria provided. Collection method: clinical testing. Allele origin: germline.
Comment: The SEMA3A c.1717+5G>A variant is predicted to interfere with splicing. To our knowledge, this variant has not been reported in the literature. This variant is reported in 0.019% of alleles in individuals of East Asian descent in gnomAD, which may be too common to be an unreported cause of disease. Although we suspect that this variant may be benign, at this time, the clinical significance of this variant is uncertain due to the absence of conclusive functional and genetic evidence.

NM_006080.3(SEMA3A):c.1717+5G>A

Gene: SEMA3A (semaphorin 3A; minus strand). Cytogenetic location: 7q21.11.
Variant type: single nucleotide variant.
Coding change: c.1717+5G>A on transcript NM_006080.3 (MANE Select); 5 bases into the intron after coding-DNA position 1717, G replaced by A.
Molecular consequence: intron variant.
Genome position (GRCh38, 1-based): chr7:83,977,127, C>T on the plus strand (G>A on the coding strand, the complement: SEMA3A is on the minus strand). VCF-style: chr7-83977127-C-T. GRCh37 (hg19) VCF-style: chr7-83606443-C-T.
Identifiers: ClinVar variation 3354141 (VCV003354141.1).